The following is an entry in ClinVar:

ClinVar aggregate classification (germline): Likely benign (0 of 4 stars; one submission).

Conditions:
PTPRS-related disorder. Also called: PTPRS-related condition.

Allele frequency attached by ClinVar (database versions not stated): 1000 Genomes Project 30x 0.00016.
gnomAD v4.1: 50 of 1,396,682 alleles (0.0036%); highest among the groups gnomAD compares: Middle Eastern, 0.027%; 1 homozygote.

Submission:

PreventionGenetics, part of Exact Sciences
Classification: Likely benign for PTPRS-related condition. Last evaluated: 2019-06-17. Review status: no assertion criteria provided. Collection method: clinical testing. Allele origin: germline.
Comment: This variant is classified as likely benign based on ACMG/AMP sequence variant interpretation guidelines (Richards et al. 2015 PMID: 25741868, with internal and published modifications).

NM_002850.4(PTPRS):c.1860C>G (p.Ala620=)

Gene: PTPRS (protein tyrosine phosphatase receptor type S; minus strand). Cytogenetic location: 19p13.3.
Variant type: single nucleotide variant.
Coding change: c.1860C>G on transcript NM_002850.4 (MANE Select); coding-DNA position 1860, C replaced by G.
Protein change: p.Ala620=; no amino-acid change (alanine 620 retained).
Molecular consequence: synonymous variant. On other transcripts: intron variant (2).
Genome position (GRCh38, 1-based): chr19:5,231,605, G>C on the plus strand (C>G on the coding strand, the complement: PTPRS is on the minus strand). VCF-style: chr19-5231605-G-C. GRCh37 (hg19) VCF-style: chr19-5231616-G-C.
Other names: c.1821C>G, p.Ala607= (NM_001394011.1, NM_001394012.1, NM_001394013.1 and 1 more transcripts); c.1810+7314C>G (NM_130853.3); c.1822+7314C>G (NM_130855.3).
Identifiers: ClinVar variation 3033378 (VCV003033378.2), dbSNP rs751470276, ClinGen allele CA9110162.